The following is an entry in ClinVar:

NM_177438.3(DICER1):c.5564G>C (p.Arg1855Pro)

Gene: DICER1 (dicer 1, ribonuclease III; minus strand). Cytogenetic location: 14q32.13.
Variant type: single nucleotide variant.
Coding change: c.5564G>C on transcript NM_177438.3 (MANE Select); coding-DNA position 5564, G replaced by C.
Protein change: p.Arg1855Pro; replaces arginine 1855 with proline.
Molecular consequence: missense variant. On other transcripts: non-coding transcript variant (6).
Genome position (GRCh38, 1-based): chr14:95,091,073, C>G on the plus strand (G>C on the coding strand, the complement: DICER1 is on the minus strand). VCF-style: chr14-95091073-C-G. GRCh37 (hg19) VCF-style: chr14-95557410-C-G.
Other names: c.5401G>C, p.Glu1801Gln (NM_001195573.1); c.5564G>C, p.Arg1855Pro (NM_001271282.3, NM_001291628.2, NM_001395677.1 and 8 more transcripts); c.5282G>C, p.Arg1761Pro (NM_001395686.1); c.5159G>C, p.Arg1720Pro (NM_001395687.1, NM_001395688.1, NM_001395689.1 and 1 more transcripts); c.4997G>C, p.Arg1666Pro (NM_001395691.1); c.3881G>C, p.Arg1294Pro (NM_001395697.1); short protein forms R1666P, R1855P, R1720P, R1761P, R1294P, E1801Q.
Identifiers: ClinVar variation 2566230 (VCV002566230.2), dbSNP rs2139773138, ClinGen allele CA390864251.
Genomic context (GRCh38, chr14:95,091,073, plus strand): 5'-CCATGTACATTTTTTGCTTACCTAAATTTGGCAGTTTCTGGTTCCATTTCAAGCAATTCT[C>G]GCACAGGGGAACGGGGTACATTTGCAGAAAACTTTTCTGCAATCAAAATGAAAGAATAAT-3'
Protein context (NP_803187.1, residues 1845-1865): FSANVPRSPV[Arg1855Pro]ELLEMEPETA

ClinVar aggregate classification (germline): Uncertain significance (1 of 4 stars; one submission).

Conditions:
Hereditary cancer-predisposing syndrome. Also called: Neoplastic Syndromes, Hereditary; Hereditary Cancer Syndrome; Hereditary neoplastic syndrome; Tumor predisposition. Identifiers: Orphanet 140162, MedGen C0027672, MeSH D009386, MONDO:0015356.

Submission:

Ambry Genetics
Classification: Uncertain significance for Hereditary cancer-predisposing syndrome. Last evaluated: 2023-06-10. Review status: criteria provided, single submitter. Criteria: Ambry Variant Classification Scheme 2023. Collection method: clinical testing. Allele origin: germline.
Comment: The p.R1855P variant (also known as c.5564G>C), located in coding exon 25 of the DICER1 gene, results from a G to C substitution at nucleotide position 5564. The arginine at codon 1855 is replaced by proline, an amino acid with dissimilar properties. This amino acid position is conserved. In addition, this alteration is predicted to be tolerated by in silico analysis. Since supporting evidence is limited at this time, the clinical significance of this alteration remains unclear.